The following is an entry in ClinVar:

NM_001161352.2(KCNMA1):c.378+766C>A

Gene: KCNMA1 (potassium calcium-activated channel subfamily M alpha 1; minus strand). Cytogenetic location: 10q22.3.
Variant type: single nucleotide variant.
Coding change: c.378+766C>A on transcript NM_001161352.2 (MANE Select); 766 bases into the intron after coding-DNA position 378, C replaced by A.
Molecular consequence: intron variant. On other transcripts: 3 prime UTR variant (2), missense variant (2).
Genome position (GRCh38, 1-based): chr10:77,636,499, G>T on the plus strand (C>A on the coding strand, the complement: KCNMA1 is on the minus strand). VCF-style: chr10-77636499-G-T. GRCh37 (hg19) VCF-style: chr10-79396257-G-T.
Other names: c.*244C>A (NM_001271520.2); c.*62C>A (NM_001271521.2); c.395C>A, p.Ser132Tyr (NM_001271522.2); c.562C>A, p.Pro188Thr (NM_001322839.2); c.378+766C>A (NM_001271518.2, NM_001322832.2, NM_001410940.1 and 9 more transcripts); short protein forms P188T, S132Y.
Identifiers: ClinVar variation 2632974 (VCV002632974.1), dbSNP rs1339079326, ClinGen allele CA377411512.

ClinVar aggregate classification (germline): Uncertain significance (1 of 4 stars; one submission).

Conditions:
KCNMA1-related disorder. Also called: KCNMA1-related condition; KCNMA1-related disorders.

Submission:

PreventionGenetics, part of Exact Sciences
Classification: Uncertain significance for KCNMA1-related condition. Last evaluated: 2023-04-21. Review status: criteria provided, single submitter. Criteria: ACMG Guidelines, 2015. Collection method: clinical testing. Allele origin: germline.
Comment: The KCNMA1 c.395C>A variant is predicted to result in the amino acid substitution p.Ser132Tyr. To our knowledge, this variant has not been reported in the literature or in a large population database, indicating this variant is rare. At this time, the clinical significance of this variant is uncertain due to the absence of conclusive functional and genetic evidence.